The following is an entry in ClinVar:

NM_176822.4(NLRP14):c.2027G>C (p.Arg676Thr)

Gene: NLRP14 (NLR family pyrin domain containing 14; plus strand). Cytogenetic location: 11p15.4.
Variant type: single nucleotide variant.
Coding change: c.2027G>C on transcript NM_176822.4 (MANE Select); coding-DNA position 2027, G replaced by C.
Protein change: p.Arg676Thr; replaces arginine 676 with threonine.
Molecular consequence: missense variant.
Genome position (GRCh38, 1-based): chr11:7,046,736, G>C. VCF-style: chr11-7046736-G-C. GRCh37 (hg19) VCF-style: chr11-7067967-G-C.
Other names: short protein forms R676T.
Identifiers: ClinVar variation 103343 (VCV000103343.2), dbSNP rs199475883, ClinGen allele CA230446.

ClinVar aggregate classification (germline): not provided (0 of 4 stars; one submission).

Allele frequency attached by ClinVar (database versions not stated): gnomAD exomes below 0.00001; TOPMed below 0.00001; gnomAD 0.00001 and 0.00002.
gnomAD v4.1: 4 of 1,613,476 alleles (0.00025%); highest among the groups gnomAD compares: African/African-American, 0.0053%; no homozygotes.

Submission:

Human Evolutionary Genetics, Institut Pasteur
No classification provided. Review status: no classification provided. Collection method: not provided. Allele origin: germline.
ClinVar note: Converted during submission from untested to not provided.